The following is an entry in ClinVar:

NM_001365951.3(KIF1B):c.877A>G (p.Ser293Gly)

Gene: KIF1B (kinesin family member 1B; plus strand). Cytogenetic location: 1p36.22.
Variant type: single nucleotide variant.
Coding change: c.877A>G on transcript NM_001365951.3 (MANE Select); coding-DNA position 877, A replaced by G.
Protein change: p.Ser293Gly; replaces serine 293 with glycine.
Molecular consequence: missense variant. On other transcripts: intron variant (3).
Genome position (GRCh38, 1-based): chr1:10,273,026, A>G. VCF-style: chr1-10273026-A-G. GRCh37 (hg19) VCF-style: chr1-10333084-A-G.
Other names: c.877A>G, p.Ser293Gly (NM_001365952.1); c.864+720A>G (NM_183416.4, NM_015074.3, NM_001365953.1); short protein forms S293G.
Identifiers: ClinVar variation 3602673 (VCV003602673.1).

ClinVar aggregate classification (germline): Uncertain significance (1 of 4 stars; one submission).

Conditions:
Pheochromocytoma. Also called: MAX-Related Hereditary Paraganglioma-Pheochromocytoma Syndrome. Identifiers: Orphanet 29072, MedGen C0031511, MONDO:0008233, OMIM 171300, HP:0002666.

gnomAD v4.1: 78 of 1,546,184 alleles (0.005%); highest among the groups gnomAD compares: Non-Finnish European, 0.0065%; no homozygotes.

Submission:

St. Jude Molecular Pathology, St. Jude Children's Research Hospital
Classification: Uncertain significance for Pheochromocytoma. Last evaluated: 2024-09-06. Review status: criteria provided, single submitter. Criteria: St. Jude Assertion Criteria 2020. Collection method: clinical testing. Allele origin: germline.
Comment: The KIF1B c.877A>G (p.Ser293Gly) missense variant has a maximum subpopulation frequency of 0.0042% in gnomAD v2.1.1. The in silico tool REVEL is inconclusive about a pathogenic or benign effect of this variant on protein function, and to our knowledge functional studies have not been performed. To our knowledge, this variant has not been reported in the literature in individuals with KIF1B-associated conditions. In summary, the evidence currently available is insufficient to determine the clinical significance of this variant. It has therefore been classified as of uncertain significance.